The following is an entry in ClinVar:

NC_000005.9:g.(?_171765373)_(172939426_?)dup

Genes: ATP6V0E1 (ATPase H+ transporting V0 subunit e1; plus strand), BNIP1 (BCL2 interacting protein 1; plus strand), CREBRF (CREB3 regulatory factor; plus strand), DUSP1 (dual specificity phosphatase 1; minus strand), ERGIC1 (endoplasmic reticulum-golgi intermediate compartment 1; plus strand) and 6 more. Cytogenetic location: 5q35.1-35.2.
Variant type: Duplication.
Identifiers: ClinVar variation 2423474 (VCV002423474.4).

ClinVar aggregate classification (germline): Uncertain significance (1 of 4 stars; one submission).

Submission:

Labcorp Genetics (formerly Invitae), Labcorp
Classification: Uncertain significance. Last evaluated: 2023-12-06. Review status: criteria provided, single submitter. Criteria: Invitae Variant Classification Sherloc (09022015). Collection method: clinical testing. Allele origin: germline.
Comment: A copy number gain of the genomic region encompassing the full coding sequence of the SH3PXD2B gene has been identified. The boundaries of this event are unknown as they extend beyond the assayed region for this gene and therefore may encompass additional genes. As the precise location of this event is unknown, it may be in tandem or it may be located elsewhere in the genome. This variant has not been reported in the literature in individuals affected with SH3PXD2B-related conditions. In summary, the available evidence is currently insufficient to determine the role of this variant in disease. Therefore, it has been classified as a Variant of Uncertain Significance.